The following is an entry in ClinVar:

NM_001384910.1(GUCA1A):c.567C>T (p.Asp189=)

Genes: GUCA1A (guanylate cyclase activator 1A; plus strand), GUCA1ANB-GUCA1A (GUCA1ANB-GUCA1A readthrough; plus strand). Cytogenetic location: 6p21.1.
Variant type: single nucleotide variant.
Coding change: c.567C>T on transcript NM_001384910.1 (MANE Select); coding-DNA position 567, C replaced by T.
Protein change: p.Asp189=; no amino-acid change (aspartic acid 189 retained).
Molecular consequence: synonymous variant.
Genome position (GRCh38, 1-based): chr6:42,179,364, C>T. VCF-style: chr6-42179364-C-T. GRCh37 (hg19) VCF-style: chr6-42147102-C-T.
Other names: c.567C>T, p.Asp189= (NM_000409.5, NM_001319061.2, NM_001319062.2).
Identifiers: ClinVar variation 256032 (VCV000256032.20), dbSNP rs34925828, ClinGen allele CA3805445.
Genomic context (GRCh38, chr6:42,179,364, plus strand): 5'-ACTGACACGAAGCCTGGACCTTACCCGCATCGTGCGCAGGCTCCAGAATGGCGAGCAAGA[C>T]GAGGAGGGGGCTGACGAGGCCGCTGAGGCAGCCGGCTGAGTGCACCGCCCGGCTGCTTCT-3'
Protein context (NP_001371839.1, residues 179-199): IVRRLQNGEQ[Asp189=]EEGADEAAEA

ClinVar aggregate classification (germline): Benign/Likely benign. Review status: criteria provided, multiple submitters, no conflicts (2 of 4 stars). 6 submissions from 6 submitters: Benign (2); Likely benign (4). Last evaluated 2026-02-02.

Conditions:
Cone dystrophy 3 (COD3). Also called: RETINAL CONE DYSTROPHY. Identifiers: Orphanet 1872, MedGen C1865869, MONDO:0011193, OMIM 602093.

Allele frequency attached by ClinVar (database versions not stated): gnomAD exomes 0.00337; ExAC 0.00472; ESP Exome Variant Server 0.01184; gnomAD 0.01190 and 0.01271; TOPMed 0.01322; 1000 Genomes Project 0.01478; 1000 Genomes Project 30x 0.01640.
gnomAD v4.1: 4,007 of 1,611,224 alleles (0.25%); highest among the groups gnomAD compares: African/African-American, 3.9%; 55 homozygotes.

Submissions (6):

Labcorp Genetics (formerly Invitae), Labcorp
Classification: Benign. Last evaluated: 2026-02-02. Review status: criteria provided, single submitter. Criteria: Invitae Variant Classification Sherloc (09022015). Collection method: clinical testing. Allele origin: germline.

Blueprint Genetics
Classification: Likely benign. Last evaluated: 2024-11-21. Review status: criteria provided, single submitter. Criteria: ACMG Guidelines, 2015. Collection method: clinical testing. Allele origin: germline.

GeneDx
Classification: Likely benign. Last evaluated: 2021-02-17. Review status: criteria provided, single submitter. Criteria: GeneDx Variant Classification Process June 2021. Collection method: clinical testing. Allele origin: germline. Affected: yes.

Illumina Laboratory Services, Illumina
Classification: Likely benign for Cone dystrophy 3. Last evaluated: 2017-04-27. Review status: criteria provided, single submitter. Criteria: ICSL Variant Classification Criteria 13 December 2019. Collection method: clinical testing. Allele origin: germline.
Comment: This variant was observed as part of a predisposition screen in an ostensibly healthy population. A literature search was performed for the gene, cDNA change, and amino acid change (where applicable). Publications were found based on this search. The evidence from the literature, in combination with allele frequency data from public databases where available, was sufficient to determine this variant is unlikely to cause disease. Therefore, this variant is classified as likely benign.

Breakthrough Genomics
Classification: Likely benign. Review status: criteria provided, single submitter. Criteria: ACMG Guidelines, 2015. Collection method: not provided. Allele origin: germline. Inheritance: Autosomal dominant inheritance. Affected: yes.

PreventionGenetics, part of Exact Sciences
Classification: Benign. Review status: criteria provided, single submitter. Criteria: ACMG Guidelines, 2015. Collection method: clinical testing. Allele origin: germline.

Literature cited by the submitters: PubMed 15505030 (cited by Illumina Laboratory Services, Illumina).